The following is an entry in ClinVar:

ClinVar aggregate classification (germline): Uncertain significance. Review status: criteria provided, multiple submitters, no conflicts (2 of 4 stars). 2 submissions from 2 submitters: Uncertain significance (2). Last evaluated 2025-09-09.

Conditions:
Familial thoracic aortic aneurysm and aortic dissection (TAAD). Also called: Thoracic aortic aneurysms and dissections. Identifiers: Orphanet 91387, MedGen C4707243, MONDO:0019625.
Ehlers-Danlos syndrome, type 4 (EDSVASC). Also called: Ehlers-Danlos syndrome vascular type; Ehlers Danlos syndrome, ecchymotic type; Ehlers Danlos syndrome, arterial type; Ehlers Danlos syndrome, Sack-Barabas type; Ehlers-Danlos Syndrome Type IV. Identifiers: Orphanet 286, MedGen C0268338, MONDO:0017314, OMIM 130050.

Allele frequency attached by ClinVar (database versions not stated): gnomAD exomes below 0.00001; ExAC 0.00001.
gnomAD v4.1: 1 of 1,614,128 alleles (0.000062%); highest among the groups gnomAD compares: East Asian, 0.0022%; no homozygotes.

Submissions (2):

Color Diagnostics, LLC DBA Color Health
Classification: Uncertain significance for Familial thoracic aortic aneurysm and aortic dissection. Last evaluated: 2025-09-09. Review status: criteria provided, single submitter. Criteria: ACMG Guidelines, 2015. Collection method: clinical testing. Allele origin: germline.
Comment: This missense variant replaces glycine with glutamic acid at codon 1384 of the COL3A1 protein. Computational prediction is inconclusive regarding the impact of this variant on protein structure and function. To our knowledge, functional studies have not been reported for this variant. This variant has not been reported in individuals affected with COL3A1-related disorders in the literature. This variant has been identified in 1/251260 chromosomes in the general population by the Genome Aggregation Database (gnomAD). The available evidence is insufficient to determine the role of this variant in disease conclusively. Therefore, this variant is classified as a Variant of Uncertain Significance.

Labcorp Genetics (formerly Invitae), Labcorp
Classification: Uncertain significance for Ehlers-Danlos syndrome, type 4. Last evaluated: 2025-01-13. Review status: criteria provided, single submitter. Criteria: Invitae Variant Classification Sherloc (09022015). Collection method: clinical testing. Allele origin: germline.
Comment: This sequence change replaces glycine, which is neutral and non-polar, with glutamic acid, which is acidic and polar, at codon 1384 of the COL3A1 protein (p.Gly1384Glu). This variant is present in population databases (rs767716621, gnomAD 0.006%). This variant has not been reported in the literature in individuals affected with COL3A1-related conditions. ClinVar contains an entry for this variant (Variation ID: 2956145). Invitae Evidence Modeling of protein sequence and biophysical properties (such as structural, functional, and spatial information, amino acid conservation, physicochemical variation, residue mobility, and thermodynamic stability) has been performed for this missense variant. However, the output from this modeling did not meet the statistical confidence thresholds required to predict the impact of this variant on COL3A1 protein function. In summary, the available evidence is currently insufficient to determine the role of this variant in disease. Therefore, it has been classified as a Variant of Uncertain Significance.

NM_000090.4(COL3A1):c.4151G>A (p.Gly1384Glu)

Gene: COL3A1 (collagen type III alpha 1 chain; plus strand). Cytogenetic location: 2q32.2.
Variant type: single nucleotide variant.
Coding change: c.4151G>A on transcript NM_000090.4 (MANE Select); coding-DNA position 4151, G replaced by A.
Protein change: p.Gly1384Glu; replaces glycine 1384 with glutamic acid.
Molecular consequence: missense variant.
Genome position (GRCh38, 1-based): chr2:189,010,787, G>A. VCF-style: chr2-189010787-G-A. GRCh37 (hg19) VCF-style: chr2-189875513-G-A.
Other names: short protein forms G1384E.
Identifiers: ClinVar variation 2956145 (VCV002956145.4), dbSNP rs767716621, ClinGen allele CA076473.
Genomic context (GRCh38, chr2:189,010,787, plus strand): 5'-CTTCCCAGAACATCACATATCACTGCAAAAATAGCATTGCATACATGGATCAGGCCAGTG[G>A]AAATGTAAAGAAGGCCCTGAAGCTGATGGGGTCAAATGAAGGTGAATTCAAGGCTGAAGG-3'
Protein context (NP_000081.2, residues 1374-1394): NSIAYMDQAS[Gly1384Glu]NVKKALKLMG